The following is an entry in ClinVar:

NM_052867.4(NALCN):c.1138dup (p.Met380fs)

Genes: NALCN (sodium leak channel, non-selective; minus strand), LOC126861831 (P300/CBP strongly-dependent group 1 enhancer GRCh37_chr13:101909917-101911116; plus strand). Cytogenetic location: 13q33.1.
Variant type: Duplication.
Coding change: c.1138dup on transcript NM_052867.4 (MANE Select); coding-DNA position 1138, one base duplicated (A; older notation c.1138dupA).
Protein change: p.Met380fs; shifts the reading frame from methionine 380.
Molecular consequence: frameshift variant.
Genome position (GRCh38, 1-based): chr13:101,258,571, T duplicated on the plus strand (A on the coding strand, the reverse complement: NALCN is on the minus strand); the first of 4 consecutive T bases (chr13:101,258,571-101,258,574); duplicating any one gives the same sequence. VCF-style (leftmost placement, unchanged base first): chr13-101258570-A-AT. GRCh37 (hg19) VCF-style: chr13-101910921-A-AT.
Other names: c.1138dup, p.Met380fs (NM_001350748.2, NM_001350749.2); c.1051dup, p.Met351fs (NM_001350750.2, NM_001350751.2); short protein forms M351fs, M380fs.
Identifiers: ClinVar variation 1174461 (VCV001174461.1), dbSNP rs2042316930, ClinGen allele CA959555806.
Genomic context (GRCh38, chr13:101,258,570, plus strand): 5'-ACGATCACGTCCACGGTCACCATGCTCAGGATGAACATGTGGAAAACGGATGACCGCATC[A>AT]TTTTCTGAGGGGGCGAAACAGACAGACTCTTAACAAAGAAATAAACCTCATGATTAAGTG-3'

ClinVar aggregate classification (germline): Pathogenic (1 of 4 stars; one submission).

Submission:

GeneDx
Classification: Pathogenic. Last evaluated: 2021-01-29. Review status: criteria provided, single submitter. Criteria: GeneDx Variant Classification (06012015). Collection method: clinical testing. Allele origin: germline. Affected: yes.
Comment: Frameshift variant predicted to result in protein truncation or nonsense mediated decay in a gene for which loss-of-function is a known mechanism of disease; Not observed in large population cohorts (Lek et al., 2016); Has not been previously published as pathogenic or benign to our knowledge